The following is an entry in ClinVar:

NM_004183.4(BEST1):c.427G>C (p.Val143Leu)

Gene: BEST1 (bestrophin 1; plus strand). Cytogenetic location: 11q12.3.
Variant type: single nucleotide variant.
Coding change: c.427G>C on transcript NM_004183.4 (MANE Select); coding-DNA position 427, G replaced by C.
Protein change: p.Val143Leu; replaces valine 143 with leucine.
Molecular consequence: missense variant. On other transcripts: non-coding transcript variant (1).
Genome position (GRCh38, 1-based): chr11:61,955,897, G>C. VCF-style: chr11-61955897-G-C. GRCh37 (hg19) VCF-style: chr11-61723369-G-C.
Other names: c.247G>C, p.Val83Leu (NM_001139443.3, NM_001300786.2, NM_001300787.2); c.109G>C, p.Val37Leu (NM_001363591.3); c.427G>C, p.Val143Leu (NM_001363592.2); c.-749G>C (NM_001363593.3); short protein forms V143L, V37L, V83L.
Identifiers: ClinVar variation 999701 (VCV000999701.11), dbSNP rs1378679988, ClinGen allele CA380835243.
Genomic context (GRCh38, chr11:61,955,897, plus strand): 5'-CTGCTGCGGCGCACGCTCATCCGCTACGCCAACCTGGGCAACGTGCTCATCCTGCGCAGC[G>C]TCAGCACCGCAGTCTACAAGCGCTTCCCCAGCGCCCAGCACCTGGTGCAAGCAGGTGGGC-3'
Protein context (NP_004174.1, residues 133-153): NLGNVLILRS[Val143Leu]STAVYKRFPS

ClinVar aggregate classification (germline): Conflicting classifications of pathogenicity. Review status: criteria provided, conflicting classifications (1 of 4 stars). 3 submissions from 3 submitters: Likely pathogenic (2); Uncertain significance (1). Last evaluated 2022-06-17.

Conditions:
Vitelliform macular dystrophy 2. Also called: VITELLIFORM MACULAR DYSTROPHY, EARLY-ONSET; VITELLIFORM MACULAR DYSTROPHY, JUVENILE-ONSET; MACULAR DEGENERATION, POLYMORPHIC VITELLINE; Best Macular Dystrophy; Best Vitelliform Macular Dystrophy (BVMD); Best vitelliform macular dystrophy, multifocal. Identifiers: Orphanet 1243, MedGen C2745945, MONDO:0007931, OMIM 153700.

Submissions (3):

MGZ Medical Genetics Center
Classification: Likely pathogenic for Vitelliform macular dystrophy 2. Last evaluated: 2022-06-17. Review status: criteria provided, single submitter. Criteria: ACMG Guidelines, 2015. Collection method: clinical testing. Allele origin: germline. Affected: yes. Observed: 1 variant allele.
Comment: ACMG criteria applied: PM5_STR, PM2_SUP, PP3

Institute of Human Genetics, University of Leipzig Medical Center
Classification: Likely pathogenic for Vitelliform macular dystrophy 2. Last evaluated: 2021-11-22. Review status: criteria provided, single submitter. Criteria: ACMG Guidelines, 2015. Collection method: clinical testing. Allele origin: unknown. Affected: yes.
Comment: _x000D_ Criteria applied: PM5_STR, PM2_SUP, PP3

Labcorp Genetics (formerly Invitae), Labcorp
Classification: Uncertain significance. Last evaluated: 2020-03-05. Review status: criteria provided, single submitter. Criteria: Invitae Variant Classification Sherloc (09022015). Collection method: clinical testing. Allele origin: germline.
Comment: This variant has not been reported in the literature in individuals with BEST1-related conditions. This variant is not present in population databases (ExAC no frequency). This sequence change replaces valine with leucine at codon 143 of the BEST1 protein (p.Val143Leu). The valine residue is moderately conserved and there is a small physicochemical difference between valine and leucine. In summary, the available evidence is currently insufficient to determine the role of this variant in disease. Therefore, it has been classified as a Variant of Uncertain Significance. Algorithms developed to predict the effect of missense changes on protein structure and function are either unavailable or do not agree on the potential impact of this missense change (SIFT: "Tolerated"; PolyPhen-2: "Probably Damaging"; Align-GVGD: "Class C0").